The following is an entry in ClinVar:

NM_001376.5(DYNC1H1):c.3313G>T (p.Val1105Leu)

Gene: DYNC1H1 (dynein cytoplasmic 1 heavy chain 1; plus strand). Cytogenetic location: 14q32.31.
Variant type: single nucleotide variant.
Coding change: c.3313G>T on transcript NM_001376.5 (MANE Select); coding-DNA position 3313, G replaced by T.
Protein change: p.Val1105Leu; replaces valine 1105 with leucine.
Molecular consequence: missense variant.
Genome position (GRCh38, 1-based): chr14:101,994,829, G>T. VCF-style: chr14-101994829-G-T. GRCh37 (hg19) VCF-style: chr14-102461166-G-T.
Other names: short protein forms V1105L.
Identifiers: ClinVar variation 2816348 (VCV002816348.3), dbSNP rs1323484772, ClinGen allele CA391033427.

ClinVar aggregate classification (germline): Uncertain significance (1 of 4 stars; one submission).

Conditions:
Charcot-Marie-Tooth disease axonal type 2O. Also called: CHARCOT-MARIE-TOOTH NEUROPATHY, AXONAL, TYPE 2O; CHARCOT-MARIE-TOOTH DISEASE, AXONAL, AUTOSOMAL DOMINANT, TYPE 2O; Charcot-Marie-Tooth Neuropathy Type 2O; Charcot-Marie-Tooth disease, axonal, type 20. Identifiers: Orphanet 284232, MedGen C3280220, MONDO:0013644, OMIM 614228.

Submission:

Labcorp Genetics (formerly Invitae), Labcorp
Classification: Uncertain significance for Charcot-Marie-Tooth disease axonal type 2O. Last evaluated: 2022-11-24. Review status: criteria provided, single submitter. Criteria: Invitae Variant Classification Sherloc (09022015). Collection method: clinical testing. Allele origin: germline.
Comment: This sequence change replaces valine, which is neutral and non-polar, with leucine, which is neutral and non-polar, at codon 1105 of the DYNC1H1 protein (p.Val1105Leu). In summary, the available evidence is currently insufficient to determine the role of this variant in disease. Therefore, it has been classified as a Variant of Uncertain Significance. Advanced modeling of protein sequence and biophysical properties (such as structural, functional, and spatial information, amino acid conservation, physicochemical variation, residue mobility, and thermodynamic stability) performed at Invitae indicates that this missense variant is not expected to disrupt DYNC1H1 protein function. This variant has not been reported in the literature in individuals affected with DYNC1H1-related conditions. This variant is not present in population databases (gnomAD no frequency).